The following is an entry in ClinVar:

NM_004565.3(PEX14):c.987G>A (p.Glu329=)

Gene: PEX14 (peroxisomal biogenesis factor 14; plus strand). Cytogenetic location: 1p36.22.
Variant type: single nucleotide variant.
Coding change: c.987G>A on transcript NM_004565.3 (MANE Select); coding-DNA position 987, G replaced by A.
Protein change: p.Glu329=; no amino-acid change (glutamic acid 329 retained).
Molecular consequence: synonymous variant.
Genome position (GRCh38, 1-based): chr1:10,629,840, G>A. VCF-style: chr1-10629840-G-A. GRCh37 (hg19) VCF-style: chr1-10689897-G-A.
Identifiers: ClinVar variation 3044851 (VCV003044851.2), dbSNP rs1224798287, ClinGen allele CA416034813.

ClinVar aggregate classification (germline): Likely benign (0 of 4 stars; one submission).

Conditions:
PEX14-related disorder. Also called: PEX14-related condition.

Allele frequency attached by ClinVar (database versions not stated): gnomAD 0.00001; TOPMed 0.00001.
gnomAD v4.1: 1 of 1,605,856 alleles (0.000062%); highest among the groups gnomAD compares: East Asian, 0.0022%; no homozygotes.

Submission:

PreventionGenetics, part of Exact Sciences
Classification: Likely benign for PEX14-related condition. Last evaluated: 2023-09-06. Review status: no assertion criteria provided. Collection method: clinical testing. Allele origin: germline.
Comment: This variant is classified as likely benign based on ACMG/AMP sequence variant interpretation guidelines (Richards et al. 2015 PMID: 25741868, with internal and published modifications).